The following is an entry in ClinVar:

NM_002334.4(LRP4):c.1990A>G (p.Asn664Asp)

Gene: LRP4 (LDL receptor related protein 4; minus strand). Cytogenetic location: 11p11.2.
Variant type: single nucleotide variant.
Coding change: c.1990A>G on transcript NM_002334.4 (MANE Select); coding-DNA position 1990, A replaced by G.
Protein change: p.Asn664Asp; replaces asparagine 664 with aspartic acid.
Molecular consequence: missense variant.
Genome position (GRCh38, 1-based): chr11:46,890,046, T>C on the plus strand (A>G on the coding strand, the complement: LRP4 is on the minus strand). VCF-style: chr11-46890046-T-C. GRCh37 (hg19) VCF-style: chr11-46911597-T-C.
Other names: c.1990A>G (NM_002334.3); short protein forms N664D.
Identifiers: ClinVar variation 1445545 (VCV001445545.9), dbSNP rs1190494235, ClinGen allele CA380282039.

ClinVar aggregate classification (germline): Uncertain significance. Review status: criteria provided, multiple submitters, no conflicts (2 of 4 stars). 2 submissions from 2 submitters: Uncertain significance (2). Last evaluated 2023-03-13.

Conditions:
Congenital myasthenic syndrome 17. Identifiers: Orphanet 590, MedGen C4225377, MONDO:0014578, OMIM 616304.
Sclerosteosis 2 (SOST2). Identifiers: Orphanet 3152, MedGen C3280402, MONDO:0013679, OMIM 614305.
Cenani-Lenz syndactyly syndrome. Also called: CENANI SYNDACTYLISM; SYNDACTYLY, TYPE VII. Identifiers: Orphanet 3258, MedGen C1859309, MONDO:0008931, OMIM 212780.
Inborn genetic diseases. Identifiers: MedGen C0950123, MeSH D030342.

Allele frequency attached by ClinVar (database versions not stated): gnomAD exomes below 0.00001.
gnomAD v4.1: 3 of 1,614,116 alleles (0.00019%); highest among the groups gnomAD compares: Non-Finnish European, 0.00025%; no homozygotes.

Submissions (2):

Ambry Genetics
Classification: Uncertain significance for Inborn genetic diseases. Last evaluated: 2023-03-13. Review status: criteria provided, single submitter. Criteria: Ambry Variant Classification Scheme 2023. Collection method: clinical testing. Allele origin: germline.

Labcorp Genetics (formerly Invitae), Labcorp
Classification: Uncertain significance for Cenani-Lenz syndactyly syndrome; Sclerosteosis 2; Congenital myasthenic syndrome 17. Last evaluated: 2022-02-05. Review status: criteria provided, single submitter. Criteria: Invitae Variant Classification Sherloc (09022015). Collection method: clinical testing. Allele origin: germline.
Comment: In summary, the available evidence is currently insufficient to determine the role of this variant in disease. Therefore, it has been classified as a Variant of Uncertain Significance. Algorithms developed to predict the effect of missense changes on protein structure and function are either unavailable or do not agree on the potential impact of this missense change (SIFT: "Deleterious"; PolyPhen-2: "Possibly Damaging"; Align-GVGD: "Class C15"). This variant has not been reported in the literature in individuals affected with LRP4-related conditions. This variant is present in population databases (no rsID available, gnomAD 0.0009%). This sequence change replaces asparagine, which is neutral and polar, with aspartic acid, which is acidic and polar, at codon 664 of the LRP4 protein (p.Asn664Asp).